The following is an entry in ClinVar:

NM_000059.4(BRCA2):c.4293A>G (p.Ala1431=)

Gene: BRCA2 (BRCA2 DNA repair associated; plus strand). Cytogenetic location: 13q13.1.
Variant type: single nucleotide variant.
Coding change: c.4293A>G on transcript NM_000059.4 (MANE Select); coding-DNA position 4293, A replaced by G.
Protein change: p.Ala1431=; no amino-acid change (alanine 1431 retained).
Molecular consequence: synonymous variant.
Genome position (GRCh38, 1-based): chr13:32,338,648, A>G. VCF-style: chr13-32338648-A-G. GRCh37 (hg19) VCF-style: chr13-32912785-A-G.
Identifiers: ClinVar variation 184517 (VCV000184517.15), dbSNP rs786201516, ClinGen allele CA019925.

ClinVar aggregate classification (germline): Likely benign. Review status: reviewed by expert panel (3 of 4 stars). 3 submissions from 3 submitters: Likely benign (1). 2 of the submissions do not count toward it. Last evaluated 2017-06-29.

Conditions:
Hereditary cancer-predisposing syndrome. Also called: Tumor predisposition; Hereditary Cancer Syndrome; Hereditary neoplastic syndrome; Neoplastic Syndromes, Hereditary. Identifiers: Orphanet 140162, MedGen C0027672, MeSH D009386, MONDO:0015356.
Hereditary breast ovarian cancer syndrome. Also called: Breast and ovarian cancer; Hereditary breast and ovarian cancer syndrome; Hereditary breast and ovarian cancer; BRCA1- and BRCA2-Associated Hereditary Breast and Ovarian Cancer; Hereditary breast and ovarian cancer syndrome (HBOC); Hereditary breast and/or ovarian cancer syndrome. Identifiers: Orphanet 145, MedGen C0677776, MeSH D061325, MONDO:0003582. Disease mechanism: loss of function.
Breast-ovarian cancer, familial, susceptibility to, 2 (BROVCA2). Also called: BRCA2 Hereditary Breast and Ovarian Cancer. Identifiers: Orphanet 145, MedGen C2675520, MONDO:0012933, OMIM 612555. Disease mechanism: loss of function.

Submissions (3):

Evidence-based Network for the Interpretation of Germline Mutant Alleles (ENIGMA)
Classification: Likely benign for Breast-ovarian cancer, familial, susceptibility to, 2. Last evaluated: 2017-06-29. Review status: reviewed by expert panel. Criteria: ENIGMA BRCA1/2 Classification Criteria (2017-06-29). Collection method: curation. Allele origin: germline.
Comment: Synonymous substitution variant, with low bioinformatic likelihood to result in a splicing aberration (Splicing prior probability 0.02).

Labcorp Genetics (formerly Invitae), Labcorp
Classification: Likely benign for Hereditary breast ovarian cancer syndrome. Last evaluated: 2024-10-28. Review status: criteria provided, single submitter. Criteria: Invitae Variant Classification Sherloc (09022015). Collection method: clinical testing. Allele origin: germline. Not counted in ClinVar's aggregate classification.

Ambry Genetics
Classification: Likely benign for Hereditary cancer-predisposing syndrome. Last evaluated: 2016-03-11. Review status: criteria provided, single submitter. Criteria: Ambry Variant Classification Scheme 2023. Collection method: clinical testing. Allele origin: germline. Not counted in ClinVar's aggregate classification.